The following is an entry in ClinVar:

ClinVar aggregate classification (germline): Uncertain significance. Review status: criteria provided, multiple submitters, no conflicts (2 of 4 stars). 2 submissions from 2 submitters: Uncertain significance (2). Last evaluated 2025-10-20.

Conditions:
SLC10A2-related disorder. Also called: SLC10A2-related condition.

Allele frequency attached by ClinVar (database versions not stated): gnomAD exomes 0.00001; ExAC 0.00003.
gnomAD v4.1: 14 of 1,614,040 alleles (0.00087%); highest among the groups gnomAD compares: Admixed American, 0.005%; no homozygotes.

Submissions (2):

PreventionGenetics, part of Exact Sciences
Classification: Uncertain significance for SLC10A2-related condition. Last evaluated: 2025-10-20. Review status: criteria provided, single submitter. Criteria: ACMG Guidelines, 2015. Collection method: clinical testing. Allele origin: germline.
Comment: The SLC10A2 c.200G>A variant is predicted to result in the amino acid substitution p.Gly67Asp. To our knowledge, this variant has not been reported in the literature. This variant is reported in 0.0087% of alleles in individuals of Latino descent in gnomAD. At this time, the clinical significance of this variant is uncertain due to the absence of conclusive functional and genetic evidence.

Labcorp Genetics (formerly Invitae), Labcorp
Classification: Uncertain significance. Last evaluated: 2025-07-27. Review status: criteria provided, single submitter. Criteria: Invitae Variant Classification Sherloc (09022015). Collection method: clinical testing. Allele origin: germline.
Comment: This sequence change replaces glycine, which is neutral and non-polar, with aspartic acid, which is acidic and polar, at codon 67 of the SLC10A2 protein (p.Gly67Asp). This variant is present in population databases (rs201168803, gnomAD 0.009%). This variant has not been reported in the literature in individuals affected with SLC10A2-related conditions. ClinVar contains an entry for this variant (Variation ID: 1968125). Invitae Evidence Modeling of protein sequence and biophysical properties (such as structural, functional, and spatial information, amino acid conservation, physicochemical variation, residue mobility, and thermodynamic stability) indicates that this missense variant is expected to disrupt SLC10A2 protein function with a positive predictive value of 80%. In summary, the available evidence is currently insufficient to determine the role of this variant in disease. Therefore, it has been classified as a Variant of Uncertain Significance.

NM_000452.3(SLC10A2):c.200G>A (p.Gly67Asp)

Gene: SLC10A2 (solute carrier family 10 member 2; minus strand). Cytogenetic location: 13q33.1.
Variant type: single nucleotide variant.
Coding change: c.200G>A on transcript NM_000452.3 (MANE Select); coding-DNA position 200, G replaced by A.
Protein change: p.Gly67Asp; replaces glycine 67 with aspartic acid.
Molecular consequence: missense variant.
Genome position (GRCh38, 1-based): chr13:103,066,050, C>T on the plus strand (G>A on the coding strand, the complement: SLC10A2 is on the minus strand). VCF-style: chr13-103066050-C-T. GRCh37 (hg19) VCF-style: chr13-103718400-C-T.
Other names: c.200G>A (NM_000452.2); short protein forms G67D.
Identifiers: ClinVar variation 1968125 (VCV001968125.6), dbSNP rs201168803, ClinGen allele CA7042311.